The following is an entry in ClinVar:

NM_001370259.2(MEN1):c.1337G>A (p.Arg446His)

Gene: MEN1 (menin 1; minus strand). Cytogenetic location: 11q13.1.
Variant type: single nucleotide variant.
Coding change: c.1337G>A on transcript NM_001370259.2 (MANE Select); coding-DNA position 1337, G replaced by A.
Protein change: p.Arg446His; replaces arginine 446 with histidine.
Molecular consequence: missense variant.
Genome position (GRCh38, 1-based): chr11:64,805,047, C>T on the plus strand (G>A on the coding strand, the complement: MEN1 is on the minus strand). VCF-style: chr11-64805047-C-T. GRCh37 (hg19) VCF-style: chr11-64572519-C-T.
Other names: c.1337G>A, p.Arg446His (NM_001370260.2, NM_001370261.2, NM_130799.3); c.1232G>A, p.Arg411His (NM_001370262.2, NM_001370263.2); c.1352G>A, p.Arg451His (NM_130800.3, NM_130801.3, NM_130802.3 and 3 more transcripts); c.1463G>A, p.Arg488His (NM_001370251.2); short protein forms R446H, R451H, R411H, R488H.
Identifiers: ClinVar variation 527253 (VCV000527253.11), dbSNP rs1555164143, ClinGen allele CA381180095.

ClinVar aggregate classification (germline): Uncertain significance. Review status: criteria provided, multiple submitters, no conflicts (2 of 4 stars). 2 submissions from 2 submitters: Uncertain significance (2). Last evaluated 2025-03-08.

Conditions:
Multiple endocrine neoplasia, type 1 (MEN1). Also called: MEN I; WERMER SYNDROME; Endocrine adenomatosis multiple; MEN 1; MEA I. Identifiers: Orphanet 652, MedGen C0025267, MeSH D018761, MONDO:0007540, OMIM 131100.
Hereditary cancer-predisposing syndrome. Also called: Neoplastic Syndromes, Hereditary; Tumor predisposition; Hereditary neoplastic syndrome; Hereditary Cancer Syndrome. Identifiers: Orphanet 140162, MedGen C0027672, MeSH D009386, MONDO:0015356.

Allele frequency attached by ClinVar (database versions not stated): gnomAD exomes below 0.00001.

Submissions (2):

Ambry Genetics
Classification: Uncertain significance for Hereditary cancer-predisposing syndrome. Last evaluated: 2025-03-08. Review status: criteria provided, single submitter. Criteria: Ambry Variant Classification Scheme 2023. Collection method: clinical testing. Allele origin: germline.
Comment: The p.R446H variant (also known as c.1337G>A), located in coding exon 8 of the MEN1 gene, results from a G to A substitution at nucleotide position 1337. The arginine at codon 446 is replaced by histidine, an amino acid with highly similar properties. This amino acid position is conserved. In addition, this alteration is predicted to be deleterious by in silico analysis. Since supporting evidence is limited at this time, the clinical significance of this alteration remains unclear.

Labcorp Genetics (formerly Invitae), Labcorp
Classification: Uncertain significance for Multiple endocrine neoplasia, type 1. Last evaluated: 2024-07-11. Review status: criteria provided, single submitter. Criteria: Invitae Variant Classification Sherloc (09022015). Collection method: clinical testing. Allele origin: germline.
Comment: This sequence change replaces arginine, which is basic and polar, with histidine, which is basic and polar, at codon 446 of the MEN1 protein (p.Arg446His). This variant is not present in population databases (gnomAD no frequency). This variant has not been reported in the literature in individuals affected with MEN1-related conditions. ClinVar contains an entry for this variant (Variation ID: 527253). Advanced modeling of protein sequence and biophysical properties (such as structural, functional, and spatial information, amino acid conservation, physicochemical variation, residue mobility, and thermodynamic stability) performed at Invitae indicates that this missense variant is expected to disrupt MEN1 protein function with a positive predictive value of 95%. In summary, the available evidence is currently insufficient to determine the role of this variant in disease. Therefore, it has been classified as a Variant of Uncertain Significance.